The following is an entry in ClinVar:

ClinVar aggregate classification (germline): Uncertain significance (1 of 4 stars; one submission).

Conditions:
Cardiovascular phenotype. Identifiers: MedGen CN230736.

Submission:

Ambry Genetics
Classification: Uncertain significance for Cardiovascular phenotype. Last evaluated: 2026-03-28. Review status: criteria provided, single submitter. Criteria: Ambry Variant Classification Scheme 2023. Collection method: clinical testing. Allele origin: germline.
Comment: The p.A484T variant (also known as c.1450G>A), located in coding exon 11 of the TRPM4 gene, results from a G to A substitution at nucleotide position 1450. The alanine at codon 484 is replaced by threonine, an amino acid with similar properties. This amino acid position is conserved. In addition, this alteration is predicted to be tolerated by in silico analysis. Based on the available evidence, the clinical significance of this variant remains unclear.

NM_017636.4(TRPM4):c.1450G>A (p.Ala484Thr)

Gene: TRPM4 (transient receptor potential cation channel subfamily M member 4; plus strand). Cytogenetic location: 19q13.33.
Variant type: single nucleotide variant.
Coding change: c.1450G>A on transcript NM_017636.4 (MANE Select); coding-DNA position 1450, G replaced by A.
Protein change: p.Ala484Thr; replaces alanine 484 with threonine.
Molecular consequence: missense variant. On other transcripts: 5 prime UTR variant (1).
Genome position (GRCh38, 1-based): chr19:49,182,764, G>A. VCF-style: chr19-49182764-G-A. GRCh37 (hg19) VCF-style: chr19-49686021-G-A.
Other names: c.1450G>A, p.Ala484Thr (NM_001195227.2); c.1105G>A, p.Ala369Thr (NM_001321281.2); c.-104G>A (NM_001321282.2); c.928G>A, p.Ala310Thr (NM_001321283.2); c.388G>A, p.Ala130Thr (NM_001321285.2); short protein forms A130T, A310T, A369T, A484T.
Identifiers: ClinVar variation 4865971 (VCV004865971.1).